The following is an entry in ClinVar:

ClinVar aggregate classification (germline): Uncertain significance (1 of 4 stars; one submission).

Conditions:
EGFR-related lung cancer (EGFR). Identifiers: MedGen CN130014.

Submission:

Labcorp Genetics (formerly Invitae), Labcorp
Classification: Uncertain significance for EGFR-related lung cancer. Last evaluated: 2025-02-19. Review status: criteria provided, single submitter. Criteria: Invitae Variant Classification Sherloc (09022015). Collection method: clinical testing. Allele origin: germline.
Comment: This sequence change replaces phenylalanine, which is neutral and non-polar, with serine, which is neutral and polar, at codon 481 of the EGFR protein (p.Phe481Ser). This variant is not present in population databases (gnomAD no frequency). This variant has not been reported in the literature in individuals affected with EGFR-related conditions. Invitae Evidence Modeling of protein sequence and biophysical properties (such as structural, functional, and spatial information, amino acid conservation, physicochemical variation, residue mobility, and thermodynamic stability) indicates that this missense variant is not expected to disrupt EGFR protein function with a negative predictive value of 80%. In summary, the available evidence is currently insufficient to determine the role of this variant in disease. Therefore, it has been classified as a Variant of Uncertain Significance.

NM_005228.5(EGFR):c.1442T>C (p.Phe481Ser)

Gene: EGFR (epidermal growth factor receptor; plus strand). Cytogenetic location: 7p11.2.
Variant type: single nucleotide variant.
Coding change: c.1442T>C on transcript NM_005228.5 (MANE Select); coding-DNA position 1442, T replaced by C.
Protein change: p.Phe481Ser; replaces phenylalanine 481 with serine.
Molecular consequence: missense variant.
Genome position (GRCh38, 1-based): chr7:55,160,282, T>C. VCF-style: chr7-55160282-T-C. GRCh37 (hg19) VCF-style: chr7-55227975-T-C.
Other names: c.1307T>C, p.Phe436Ser (NM_001346897.2, NM_001346899.2); c.1442T>C, p.Phe481Ser (NM_001346898.2, NM_201282.2, NM_201284.2); c.1283T>C, p.Phe428Ser (NM_001346900.2); c.641T>C, p.Phe214Ser (NM_001346941.2); short protein forms F214S, F436S, F428S, F481S.
Identifiers: ClinVar variation 4742251 (VCV004742251.1).